The following is an entry in ClinVar:

ClinVar aggregate classification (germline): Uncertain significance. Review status: criteria provided, multiple submitters, no conflicts (2 of 4 stars). 2 submissions from 2 submitters: Uncertain significance (2). Last evaluated 2023-03-23.

Conditions:
Polycystic kidney disease, adult type (PKD1). Also called: Polycystic Kidney, Autosomal Dominant; Polycystic Kidney Disease 1, Autosomal Dominant; Polycystic kidney disease 1; Polycystic kidney disease 1, severe; POLYCYSTIC KIDNEY DISEASE, ADULT, TYPE I; POLYCYSTIC KIDNEY DISEASE 1 WITH OR WITHOUT POLYCYSTIC LIVER DISEASE. Identifiers: MedGen C3149841, MONDO:0008263, OMIM 173900.

Allele frequency attached by ClinVar (database versions not stated): gnomAD exomes below 0.00001.

Submissions (2):

Mayo Clinic Laboratories, Mayo Clinic
Classification: Uncertain significance. Last evaluated: 2023-03-23. Review status: criteria provided, single submitter. Criteria: ACMG Guidelines, 2015. Collection method: clinical testing. Allele origin: germline. Observed: 2 variant alleles.
Comment: PP3, PM6_supporting

Department of Pathology and Laboratory Medicine, Sinai Health System
Classification: Uncertain significance for Polycystic kidney disease, adult type. Last evaluated: 2017-12-01. Review status: criteria provided, single submitter. Criteria: ACMG Guidelines, 2015. Collection method: clinical testing. Allele origin: germline. Affected: yes.

Literature cited by the submitters: PubMed 36753701 (cited by Mayo Clinic Laboratories, Mayo Clinic).

NM_001009944.3(PKD1):c.6532T>C (p.Cys2178Arg)

Gene: PKD1 (polycystin 1, transient receptor potential channel interacting; minus strand). Cytogenetic location: 16p13.3.
Variant type: single nucleotide variant.
Coding change: c.6532T>C on transcript NM_001009944.3 (MANE Select); coding-DNA position 6532, T replaced by C.
Protein change: p.Cys2178Arg; replaces cysteine 2178 with arginine.
Molecular consequence: missense variant.
Genome position (GRCh38, 1-based): chr16:2,108,635, A>G on the plus strand (T>C on the coding strand, the complement: PKD1 is on the minus strand). VCF-style: chr16-2108635-A-G. GRCh37 (hg19) VCF-style: chr16-2158636-A-G.
Other names: p.Cys2178Arg; c.6532T>C, p.Cys2178Arg (NM_000296.4); short protein forms C2178R.
Identifiers: ClinVar variation 2683336 (VCV002683336.2), dbSNP rs1358817073, ClinGen allele CA394373373.